The following is an entry in ClinVar:

NM_032608.7(MYO18B):c.1536G>C (p.Glu512Asp)

Gene: MYO18B (myosin XVIIIB; plus strand). Cytogenetic location: 22q12.1.
Variant type: single nucleotide variant.
Coding change: c.1536G>C on transcript NM_032608.7 (MANE Select); coding-DNA position 1536, G replaced by C.
Protein change: p.Glu512Asp; replaces glutamic acid 512 with aspartic acid.
Molecular consequence: missense variant.
Genome position (GRCh38, 1-based): chr22:25,770,133, G>C. VCF-style: chr22-25770133-G-C. GRCh37 (hg19) VCF-style: chr22-26166100-G-C.
Other names: c.1536G>C, p.Glu512Asp (NM_001318245.2); short protein forms E512D.
Identifiers: ClinVar variation 2577806 (VCV002577806.1), dbSNP rs2086665871, ClinGen allele CA411005095.

ClinVar aggregate classification (germline): Uncertain significance (1 of 4 stars; one submission).

Allele frequency attached by ClinVar (database versions not stated): gnomAD exomes below 0.00001.
gnomAD v4.1: 1 of 1,613,940 alleles (0.000062%); highest among the groups gnomAD compares: Non-Finnish European, 0.000085%; no homozygotes.

Submission:

GeneDx
Classification: Uncertain significance. Last evaluated: 2023-02-24. Review status: criteria provided, single submitter. Criteria: GeneDx Variant Classification Process June 2021. Collection method: clinical testing. Allele origin: germline. Affected: yes.
Comment: Not observed at significant frequency in large population cohorts (gnomAD); In silico analysis supports that this missense variant does not alter protein structure/function; Has not been previously published as pathogenic or benign to our knowledge